The following is an entry in ClinVar:

NM_025114.4(CEP290):c.3230A>G (p.Gln1077Arg)

Gene: CEP290 (centrosomal protein 290; minus strand). Cytogenetic location: 12q21.32.
Variant type: single nucleotide variant.
Coding change: c.3230A>G on transcript NM_025114.4 (MANE Select); coding-DNA position 3230, A replaced by G.
Protein change: p.Gln1077Arg; replaces glutamine 1077 with arginine.
Molecular consequence: missense variant.
Genome position (GRCh38, 1-based): chr12:88,093,849, T>C on the plus strand (A>G on the coding strand, the complement: CEP290 is on the minus strand). VCF-style: chr12-88093849-T-C. GRCh37 (hg19) VCF-style: chr12-88487626-T-C.
Other names: short protein forms Q1077R.
Identifiers: ClinVar variation 310609 (VCV000310609.14), dbSNP rs200668620, ClinGen allele CA6712194.

ClinVar aggregate classification (germline): Uncertain significance. Review status: criteria provided, multiple submitters, no conflicts (2 of 4 stars). 10 submissions from 6 submitters: Uncertain significance (10). Last evaluated 2025-12-30.

Conditions:
CEP290-related disorder. Also called: CEP290-related disorders; CEP290-related condition. Identifiers: MedGen CN239314.
Joubert syndrome. Also called: Familial aplasia of the vermis; JOUBERT-BOLTSHAUSER SYNDROME. Identifiers: Orphanet 475, MedGen C5979921, MONDO:0018772.
Meckel-Gruber syndrome. Also called: DYSENCEPHALIA SPLANCHNOCYSTICA; GRUBER SYNDROME; Dysencephalia splachnocystica. Identifiers: Orphanet 564, MedGen C0265215, MONDO:0018921.
Nephronophthisis. Also called: Juvenile Nephronophthisis. Identifiers: Orphanet 655, MedGen C0687120, MONDO:0019005, HP:0000090.
Bardet-Biedl syndrome 14 (BBS14). Identifiers: Orphanet 110, MedGen C2673874, MONDO:0014442, OMIM 615991.
Leber congenital amaurosis 10 (LCA10). Identifiers: Orphanet 65, MedGen C1857821, MONDO:0012723, OMIM 611755.
Inborn genetic diseases. Identifiers: MedGen C0950123, MeSH D030342.
Meckel syndrome, type 4 (MKS4). Also called: MECKEL-GRUBER SYNDROME, TYPE 4. Identifiers: Orphanet 564, MedGen C1970161, MONDO:0012626, OMIM 611134.
Joubert syndrome 5 (JBTS5). Identifiers: Orphanet 2318, MedGen C1857780, MONDO:0012432, OMIM 610188.
Senior-Loken syndrome 6 (SLSN6). Identifiers: Orphanet 3156, MedGen C1857779, MONDO:0012433, OMIM 610189.

Allele frequency attached by ClinVar (database versions not stated): TOPMed 0.00001; ExAC 0.00002; gnomAD 0.00003 and 0.00004; gnomAD exomes 0.00003 and 0.00008.
gnomAD v4.1: 116 of 1,612,904 alleles (0.0072%); highest among the groups gnomAD compares: Non-Finnish European, 0.0093%; no homozygotes.

Submissions (10):

PreventionGenetics, part of Exact Sciences
Classification: Uncertain significance for CEP290-related condition. Last evaluated: 2025-12-30. Review status: criteria provided, single submitter. Criteria: ACMG Guidelines, 2015. Collection method: clinical testing. Allele origin: germline.
Comment: The CEP290 c.3230A>G variant is predicted to result in the amino acid substitution p.Gln1077Arg. To our knowledge, this variant has not been reported in the literature. This variant is reported in 0.0071% of alleles in individuals of European (Non-Finnish) descent in gnomAD. At this time, the clinical significance of this variant is uncertain due to the absence of conclusive functional and genetic evidence.

Labcorp Genetics (formerly Invitae), Labcorp
Classification: Uncertain significance for Joubert syndrome; Meckel-Gruber syndrome; Nephronophthisis. Last evaluated: 2024-11-15. Review status: criteria provided, single submitter. Criteria: Invitae Variant Classification Sherloc (09022015). Collection method: clinical testing. Allele origin: germline.
Comment: This sequence change replaces glutamine, which is neutral and polar, with arginine, which is basic and polar, at codon 1077 of the CEP290 protein (p.Gln1077Arg). This variant is present in population databases (rs200668620, gnomAD 0.006%). This variant has not been reported in the literature in individuals affected with CEP290-related conditions. ClinVar contains an entry for this variant (Variation ID: 310609). Invitae Evidence Modeling of protein sequence and biophysical properties (such as structural, functional, and spatial information, amino acid conservation, physicochemical variation, residue mobility, and thermodynamic stability) indicates that this missense variant is expected to disrupt CEP290 protein function with a positive predictive value of 80%. In summary, the available evidence is currently insufficient to determine the role of this variant in disease. Therefore, it has been classified as a Variant of Uncertain Significance.

Blueprint Genetics
Classification: Uncertain significance. Last evaluated: 2024-02-26. Review status: criteria provided, single submitter. Criteria: ACMG Guidelines, 2015. Collection method: clinical testing. Allele origin: germline.

Ambry Genetics
Classification: Uncertain significance for Inborn genetic diseases. Last evaluated: 2022-10-12. Review status: criteria provided, single submitter. Criteria: Ambry Variant Classification Scheme 2023. Collection method: clinical testing. Allele origin: germline.

Fulgent Genetics
Classification: Uncertain significance for Joubert syndrome 5; Senior-Loken syndrome 6; Meckel syndrome, type 4; Leber congenital amaurosis 10; Bardet-Biedl syndrome 14. Last evaluated: 2021-12-23. Review status: criteria provided, single submitter. Criteria: ACMG Guidelines, 2015. Collection method: clinical testing. Allele origin: unknown.

Illumina Laboratory Services, Illumina
Classification: Uncertain significance for Bardet-Biedl syndrome 14. Last evaluated: 2018-01-13. Review status: criteria provided, single submitter. Criteria: ICSL Variant Classification Criteria 13 December 2019. Collection method: clinical testing. Allele origin: germline.

Illumina Laboratory Services, Illumina
Classification: Uncertain significance for Leber congenital amaurosis 10. Last evaluated: 2018-01-13. Review status: criteria provided, single submitter. Criteria: ICSL Variant Classification Criteria 13 December 2019. Collection method: clinical testing. Allele origin: germline.

Illumina Laboratory Services, Illumina
Classification: Uncertain significance for Meckel syndrome, type 4. Last evaluated: 2018-01-13. Review status: criteria provided, single submitter. Criteria: ICSL Variant Classification Criteria 13 December 2019. Collection method: clinical testing. Allele origin: germline.

Illumina Laboratory Services, Illumina
Classification: Uncertain significance for Senior-Loken syndrome 6. Last evaluated: 2018-01-13. Review status: criteria provided, single submitter. Criteria: ICSL Variant Classification Criteria 13 December 2019. Collection method: clinical testing. Allele origin: germline.

Illumina Laboratory Services, Illumina
Classification: Uncertain significance for Joubert syndrome 5. Last evaluated: 2018-01-13. Review status: criteria provided, single submitter. Criteria: ICSL Variant Classification Criteria 13 December 2019. Collection method: clinical testing. Allele origin: germline.